The following is an entry in ClinVar:

ClinVar aggregate classification (germline): Conflicting classifications of pathogenicity. Review status: criteria provided, conflicting classifications (1 of 4 stars). 2 submissions from 2 submitters: Uncertain significance (1); Likely benign (1). Last evaluated 2024-11-07.

Submissions (2):

Labcorp Genetics (formerly Invitae), Labcorp
Classification: Likely benign. Last evaluated: 2024-11-07. Review status: criteria provided, single submitter. Criteria: Invitae Variant Classification Sherloc (09022015). Collection method: clinical testing. Allele origin: germline.

GeneDx
Classification: Uncertain significance. Last evaluated: 2020-03-08. Review status: criteria provided, single submitter. Criteria: GeneDx Variant Classification Process June 2021. Collection method: clinical testing. Allele origin: germline. Affected: yes.
Comment: Not observed at a significant frequency in large population cohorts (Lek et al., 2016); Has not been previously published as pathogenic or benign to our knowledge; In-silico analysis, which includes splice predictors and evolutionary conservation, is inconclusive as to whether the variant alters gene splicing. In the absence of RNA/functional studies, the actual effect of this sequence change is unknown.

NM_130837.3(OPA1):c.2013-10_2013-8del

Gene: OPA1 (OPA1 mitochondrial dynamin like GTPase; plus strand). Cytogenetic location: 3q29.
Variant type: Deletion.
Coding change: c.2013-10_2013-8del on transcript NM_130837.3 (MANE Select); 10 bases into the intron before coding-DNA position 2013 through 8 bases into the intron before coding-DNA position 2013, 3 bases deleted (TTT; older notation c.2013-10_2013-8delTTT).
Molecular consequence: intron variant.
Genome position (GRCh38, 1-based): chr3:193,654,852-193,654,854, TTT deleted; deleting any 3 consecutive bases within chr3:193,654,849-193,654,854 gives the same sequence; the c. name uses the placement nearest the transcript's 3' end. VCF-style (leftmost placement, unchanged base first): chr3-193654848-CTTT-C. GRCh37 (hg19) VCF-style: chr3-193372637-CTTT-C.
Other names: c.1476-10_1476-8del (NM_001354664.2); c.1479-10_1479-8del (NM_001354663.2); c.1902-10_1902-8del (NM_130834.3); c.1959-10_1959-8del (NM_130836.3); c.1848-10_1848-8del (NM_015560.3); c.1905-10_1905-8del (NM_130835.3); c.1794-10_1794-8del (NM_130832.3); c.1851-10_1851-8del (NM_130833.3); and 1 more.
Identifiers: ClinVar variation 1318596 (VCV001318596.4), dbSNP rs781060459, ClinGen allele CA2759572.